The following is an entry in ClinVar:

ClinVar aggregate classification (germline): Uncertain significance (1 of 4 stars; one submission).

Conditions:
Nephronophthisis. Also called: Juvenile Nephronophthisis. Identifiers: Orphanet 655, MedGen C0687120, MONDO:0019005, HP:0000090.

Allele frequency attached by ClinVar (database versions not stated): TOPMed below 0.00001.

Submission:

Labcorp Genetics (formerly Invitae), Labcorp
Classification: Uncertain significance for Nephronophthisis. Last evaluated: 2022-08-22. Review status: criteria provided, single submitter. Criteria: Invitae Variant Classification Sherloc (09022015). Collection method: clinical testing. Allele origin: germline.
Comment: This sequence change replaces methionine, which is neutral and non-polar, with isoleucine, which is neutral and non-polar, at codon 324 of the NPHP1 protein (p.Met324Ile). This variant is not present in population databases (gnomAD no frequency). This variant has not been reported in the literature in individuals affected with NPHP1-related conditions. Algorithms developed to predict the effect of missense changes on protein structure and function (SIFT, PolyPhen-2, Align-GVGD) all suggest that this variant is likely to be tolerated. Algorithms developed to predict the effect of sequence changes on RNA splicing suggest that this variant may disrupt the consensus splice site. In summary, the available evidence is currently insufficient to determine the role of this variant in disease. Therefore, it has been classified as a Variant of Uncertain Significance.

NM_001128178.3(NPHP1):c.804G>A (p.Met268Ile)

Gene: NPHP1 (nephrocystin 1; minus strand). Cytogenetic location: 2q13.
Variant type: single nucleotide variant.
Coding change: c.804G>A on transcript NM_001128178.3 (MANE Select); coding-DNA position 804, G replaced by A.
Protein change: p.Met268Ile; replaces methionine 268 with isoleucine.
Molecular consequence: missense variant.
Genome position (GRCh38, 1-based): chr2:110,163,103, C>T on the plus strand (G>A on the coding strand, the complement: NPHP1 is on the minus strand). VCF-style: chr2-110163103-C-T. GRCh37 (hg19) VCF-style: chr2-110920680-C-T.
Other names: c.972G>A, p.Met324Ile (NM_000272.5); c.615G>A, p.Met205Ile (NM_001128179.3); c.801G>A, p.Met267Ile (NM_001374256.1); c.804G>A, p.Met268Ile (NM_001374257.1); c.969G>A, p.Met323Ile (NM_207181.4); short protein forms M205I, M268I, M323I, M324I, M267I.
Identifiers: ClinVar variation 2177483 (VCV002177483.1), dbSNP rs1682465929, ClinGen allele CA348090737.
Genomic context (GRCh38, chr2:110,163,103, plus strand): 5'-ATTACCTTCCTCCAGAAGCTGTGAGAGCGTGGAAGGCCTGAACCCTGCAGGAATAGCTCC[C>T]ATCGTAGTTAACACATCAACAGTGTTTATCTGCTGAAGACAGTAACATCAAAATGGATTT-3'
Protein context (NP_001121650.1, residues 258-278): QINTVDVLTT[Met268Ile]GAIPAGFRPS